The following is an entry in ClinVar:

NM_198576.4(AGRN):c.749A>T (p.Asn250Ile)

Gene: AGRN (agrin; plus strand). Cytogenetic location: 1p36.33.
Variant type: single nucleotide variant.
Coding change: c.749A>T on transcript NM_198576.4 (MANE Select); coding-DNA position 749, A replaced by T.
Protein change: p.Asn250Ile; replaces asparagine 250 with isoleucine.
Molecular consequence: missense variant.
Genome position (GRCh38, 1-based): chr1:1,041,194, A>T. VCF-style: chr1-1041194-A-T. GRCh37 (hg19) VCF-style: chr1-976574-A-T.
Other names: c.749A>T, p.Asn250Ile (NM_001305275.2); c.434A>T, p.Asn145Ile (NM_001364727.2); short protein forms N145I, N250I.
Identifiers: ClinVar variation 1977457 (VCV001977457.5), dbSNP rs753435616, ClinGen allele CA507916.

ClinVar aggregate classification (germline): Uncertain significance (1 of 4 stars; one submission).

Conditions:
Congenital myasthenic syndrome 8. Also called: MYASTHENIC SYNDROME, CONGENITAL, DUE TO AGRIN DEFICIENCY; Myasthenic syndrome, congenital, 8, with pre- and postsynaptic defects. Identifiers: Orphanet 590, MedGen C3808739, MONDO:0014052, OMIM 615120.

Submission:

Labcorp Genetics (formerly Invitae), Labcorp
Classification: Uncertain significance for Congenital myasthenic syndrome 8. Last evaluated: 2024-07-27. Review status: criteria provided, single submitter. Criteria: Invitae Variant Classification Sherloc (09022015). Collection method: clinical testing. Allele origin: germline.
Comment: This sequence change replaces asparagine, which is neutral and polar, with isoleucine, which is neutral and non-polar, at codon 250 of the AGRN protein (p.Asn250Ile). This variant is not present in population databases (gnomAD no frequency). This variant has not been reported in the literature in individuals affected with AGRN-related conditions. ClinVar contains an entry for this variant (Variation ID: 1977457). An algorithm developed to predict the effect of missense changes on protein structure and function (PolyPhen-2) suggests that this variant is likely to be disruptive. In summary, the available evidence is currently insufficient to determine the role of this variant in disease. Therefore, it has been classified as a Variant of Uncertain Significance.